The following is an entry in ClinVar:

NM_000492.4(CFTR):c.2399C>T (p.Ala800Val)

Gene: CFTR (CF transmembrane conductance regulator; plus strand). Cytogenetic location: 7q31.2.
Variant type: single nucleotide variant.
Coding change: c.2399C>T on transcript NM_000492.4 (MANE Select); coding-DNA position 2399, C replaced by T.
Protein change: p.Ala800Val; replaces alanine 800 with valine.
Molecular consequence: missense variant.
Genome position (GRCh38, 1-based): chr7:117,592,566, C>T. VCF-style: chr7-117592566-C-T. GRCh37 (hg19) VCF-style: chr7-117232620-C-T.
Other names: short protein forms A800V.
Identifiers: ClinVar variation 2058307 (VCV002058307.1), dbSNP rs397508373, ClinGen allele CA368981134.
Genomic context (GRCh38, chr7:117,592,566, plus strand): 5'-GTCAGAACATTCACCGAAAGACAACAGCATCCACACGAAAAGTGTCACTGGCCCCTCAGG[C>T]AAACTTGACTGAACTGGATATATATTCAAGAAGGTTATCTCAAGAAACTGGCTTGGAAAT-3'
Protein context (NP_000483.3, residues 790-810): STRKVSLAPQ[Ala800Val]NLTELDIYSR

ClinVar aggregate classification (germline): Uncertain significance (1 of 4 stars; one submission).

Conditions:
Cystic fibrosis (CF). Also called: MUCOVISCIDOSIS. Identifiers: Orphanet 586, MedGen C0010674, MONDO:0009061, OMIM 219700. Disease mechanism: loss of function.

Allele frequency attached by ClinVar (database versions not stated): gnomAD exomes below 0.00001.
gnomAD v4.1: 1 of 1,522,322 alleles (0.000066%); highest among the groups gnomAD compares: East Asian, 0.0023%; no homozygotes.

Submission:

Labcorp Genetics (formerly Invitae), Labcorp
Classification: Uncertain significance for Cystic fibrosis. Last evaluated: 2021-08-17. Review status: criteria provided, single submitter. Criteria: Invitae Variant Classification Sherloc (09022015). Collection method: clinical testing. Allele origin: germline.
Comment: This sequence change replaces alanine with valine at codon 800 of the CFTR protein (p.Ala800Val). The alanine residue is weakly conserved and there is a small physicochemical difference between alanine and valine. This variant is not present in population databases (ExAC no frequency). This variant has not been reported in the literature in individuals affected with CFTR-related conditions. Algorithms developed to predict the effect of missense changes on protein structure and function (SIFT, PolyPhen-2, Align-GVGD) all suggest that this variant is likely to be tolerated. Algorithms developed to predict the effect of sequence changes on RNA splicing suggest that this variant may create or strengthen a splice site. In summary, the available evidence is currently insufficient to determine the role of this variant in disease. Therefore, it has been classified as a Variant of Uncertain Significance.